The following is an entry in ClinVar:

NM_001298.3(CNGA3):c.215+6T>A

Gene: CNGA3 (cyclic nucleotide gated channel subunit alpha 3; plus strand). Cytogenetic location: 2q11.2.
Variant type: single nucleotide variant.
Coding change: c.215+6T>A on transcript NM_001298.3 (MANE Select); 6 bases into the intron after coding-DNA position 215, T replaced by A.
Molecular consequence: intron variant.
Genome position (GRCh38, 1-based): chr2:98,377,806, T>A. VCF-style: chr2-98377806-T-A. GRCh37 (hg19) VCF-style: chr2-98994269-T-A.
Other names: c.215+6T>A (NM_001079878.2).
Identifiers: ClinVar variation 1051455 (VCV001051455.9), dbSNP rs972976103, ClinGen allele CA535103999.
Genomic context (GRCh38, chr2:98,377,806, plus strand): 5'-CCAGAGGACTGGCTGACTCCGGGCAGGGCTCCTTCACCGGCCAGGGGATCGCCAGGTAAC[T>A]GACCAGCCTCAGTCCCTACCTTGGCCTGGGGGACACTGTTGCAGAAAGAAGGTAGTGACC-3'

ClinVar aggregate classification (germline): Uncertain significance (1 of 4 stars; one submission).

Allele frequency attached by ClinVar (database versions not stated): gnomAD exomes below 0.00001 and 0.00001; gnomAD 0.00005 and 0.00006; TOPMed 0.00010.
gnomAD v4.1: 12 of 1,607,912 alleles (0.00075%); highest among the groups gnomAD compares: Admixed American, 0.017%; no homozygotes.

Submission:

Labcorp Genetics (formerly Invitae), Labcorp
Classification: Uncertain significance. Last evaluated: 2022-02-04. Review status: criteria provided, single submitter. Criteria: Invitae Variant Classification Sherloc (09022015). Collection method: clinical testing. Allele origin: germline.
Comment: In summary, the available evidence is currently insufficient to determine the role of this variant in disease. Therefore, it has been classified as a Variant of Uncertain Significance. Variants that disrupt the consensus splice site are a relatively common cause of aberrant splicing (PMID: 17576681, 9536098). Algorithms developed to predict the effect of sequence changes on RNA splicing suggest that this variant is not likely to affect RNA splicing. ClinVar contains an entry for this variant (Variation ID: 1051455). This variant has not been reported in the literature in individuals affected with CNGA3-related conditions. This variant is present in population databases (no rsID available, gnomAD 0.006%). This sequence change falls in intron 3 of the CNGA3 gene. It does not directly change the encoded amino acid sequence of the CNGA3 protein. It affects a nucleotide within the consensus splice site.

Literature cited by the submitters: PubMed 17576681; PubMed 9536098.